The following is an entry in ClinVar:

NM_006904.7(PRKDC):c.9674A>G (p.Glu3225Gly)

Gene: PRKDC (protein kinase, DNA-activated, catalytic subunit; minus strand). Cytogenetic location: 8q11.21.
Variant type: single nucleotide variant.
Coding change: c.9674A>G on transcript NM_006904.7 (MANE Select); coding-DNA position 9674, A replaced by G.
Protein change: p.Glu3225Gly; replaces glutamic acid 3225 with glycine.
Molecular consequence: missense variant.
Genome position (GRCh38, 1-based): chr8:47,807,210, T>C on the plus strand (A>G on the coding strand, the complement: PRKDC is on the minus strand). VCF-style: chr8-47807210-T-C. GRCh37 (hg19) VCF-style: chr8-48719771-T-C.
Other names: c.9674A>G, p.Glu3225Gly (NM_001081640.2); short protein forms E3225G.
Identifiers: ClinVar variation 3225945 (VCV003225945.1), dbSNP rs2551863817, ClinGen allele CA371137377.

ClinVar aggregate classification (germline): Uncertain significance (1 of 4 stars; one submission).

Submission:

Ambry Genetics
Classification: Uncertain significance. Last evaluated: 2023-12-19. Review status: criteria provided, single submitter. Criteria: Ambry Variant Classification Scheme 2023. Collection method: clinical testing. Allele origin: germline.
Comment: The p.E3225G variant (also known as c.9674A>G), located in coding exon 69 of the PRKDC gene, results from an A to G substitution at nucleotide position 9674. The glutamic acid at codon 3225 is replaced by glycine, an amino acid with similar properties. This amino acid position is conserved. Since supporting evidence is limited at this time, the clinical significance of this alteration remains unclear.